The following is an entry in ClinVar:

NM_006267.5(RANBP2):c.7751A>G (p.Asp2584Gly)

Gene: RANBP2 (RAN binding protein 2; plus strand). Cytogenetic location: 2q13.
Variant type: single nucleotide variant.
Coding change: c.7751A>G on transcript NM_006267.5 (MANE Select); coding-DNA position 7751, A replaced by G.
Protein change: p.Asp2584Gly; replaces aspartic acid 2584 with glycine.
Molecular consequence: missense variant.
Genome position (GRCh38, 1-based): chr2:108,768,290, A>G. VCF-style: chr2-108768290-A-G. GRCh37 (hg19) VCF-style: chr2-109384746-A-G.
Other names: short protein forms D2584G.
Identifiers: ClinVar variation 445641 (VCV000445641.51), dbSNP rs138022657, ClinGen allele CA1823648.

ClinVar aggregate classification (germline): Conflicting classifications of pathogenicity. Review status: criteria provided, conflicting classifications (1 of 4 stars). 4 submissions from 4 submitters: Uncertain significance (1); Likely benign (3). Last evaluated 2025-09-01.

Conditions:
Familial acute necrotizing encephalopathy (IIAE3). Also called: Susceptibility to Acute Necrotizing Encephalopathy 1; ENCEPHALOPATHY, ACUTE, INFECTION-INDUCED, SUSCEPTIBILITY TO, 3. Identifiers: Orphanet 88619, MedGen C2675556, MONDO:0011953, OMIM 608033.

Allele frequency attached by ClinVar (database versions not stated): ESP Exome Variant Server 0.00023; TOPMed 0.00028; gnomAD 0.00033 and 0.00036; gnomAD exomes 0.00041 and 0.00044; ExAC 0.00060.
gnomAD v4.1: 694 of 1,612,030 alleles (0.043%); highest among the groups gnomAD compares: Non-Finnish European, 0.052%; 1 homozygote.

Submissions (4):

CeGaT Center for Human Genetics Tuebingen
Classification: Likely benign. Last evaluated: 2025-09-01. Review status: criteria provided, single submitter. Criteria: CeGaT Center For Human Genetics Tuebingen Variant Classification Criteria Version 2. Collection method: clinical testing. Allele origin: germline. Affected: yes. Observed: 2 variant alleles.
Comment: RANBP2: BP4, BS1

Blueprint Genetics
Classification: Likely benign. Last evaluated: 2024-11-05. Review status: criteria provided, single submitter. Criteria: ACMG Guidelines, 2015. Collection method: clinical testing. Allele origin: germline.

Labcorp Genetics (formerly Invitae), Labcorp
Classification: Likely benign for Familial acute necrotizing encephalopathy. Last evaluated: 2022-08-09. Review status: criteria provided, single submitter. Criteria: Invitae Variant Classification Sherloc (09022015). Collection method: clinical testing. Allele origin: germline.

Center for Pediatric Genomic Medicine, Children's Mercy Hospital and Clinics
Classification: Uncertain significance. Last evaluated: 2017-03-20. Review status: criteria provided, single submitter. Criteria: ACMG Guidelines, 2015. Collection method: clinical testing. Allele origin: germline.